The following is an entry in ClinVar:

ClinVar aggregate classification (germline): Uncertain significance. Review status: criteria provided, multiple submitters, no conflicts (2 of 4 stars). 2 submissions from 2 submitters: Uncertain significance (2). Last evaluated 2026-07-08.

Conditions:
Neonatal-onset encephalopathy with rigidity and seizures. Also called: Lethal neonatal spasticity-epileptic encephalopathy syndrome. Identifiers: Orphanet 435845, MedGen C3281029, MONDO:0013784, OMIM 614498.
Inborn genetic diseases. Identifiers: MedGen C0950123, MeSH D030342.

Allele frequency attached by ClinVar (database versions not stated): gnomAD exomes 0.00007 and 0.00001; gnomAD 0.00008 and 0.00007; 1000 Genomes Project 30x 0.00031; 1000 Genomes Project 0.00040; TOPMed 0.00006; ExAC 0.00022.

Submissions (2):

Ambry Genetics
Classification: Uncertain significance for Inborn genetic diseases. Last evaluated: 2026-07-08. Review status: criteria provided, single submitter. Criteria: Ambry Variant Classification Scheme 2023. Collection method: clinical testing. Allele origin: germline.
Comment: The c.1405A>G (p.K469E) alteration is located in exon 11 (coding exon 10) of the BRAT1 gene. This alteration results from a A to G substitution at nucleotide position 1405, causing the lysine (K) at amino acid position 469 to be replaced by a glutamic acid (E). Based on data from gnomAD, the G allele has an overall frequency of 0.008% (17/216852) total alleles studied. The highest observed frequency was 0.042% (9/21328) of African alleles. Based on insufficient or conflicting evidence, the clinical significance of this alteration remains unclear.

Labcorp Genetics (formerly Invitae), Labcorp
Classification: Uncertain significance for Neonatal-onset encephalopathy with rigidity and seizures. Last evaluated: 2020-02-18. Review status: criteria provided, single submitter. Criteria: Invitae Variant Classification Sherloc (09022015). Collection method: clinical testing. Allele origin: germline.
Comment: Algorithms developed to predict the effect of missense changes on protein structure and function (SIFT, PolyPhen-2, Align-GVGD) all suggest that this variant is likely to be disruptive, but these predictions have not been confirmed by published functional studies and their clinical significance is uncertain. This sequence change replaces lysine with glutamic acid at codon 469 of the BRAT1 protein (p.Lys469Glu). The lysine residue is highly conserved and there is a small physicochemical difference between lysine and glutamic acid. This variant is present in population databases (rs562500791, ExAC 0.08%). This variant has not been reported in the literature in individuals with BRAT1-related conditions. In summary, the available evidence is currently insufficient to determine the role of this variant in disease. Therefore, it has been classified as a Variant of Uncertain Significance.

NM_152743.4(BRAT1):c.1405A>G (p.Lys469Glu)

Gene: BRAT1 (BRCA1 associated ATM activator 1; minus strand). Cytogenetic location: 7p22.3.
Variant type: single nucleotide variant.
Coding change: c.1405A>G on transcript NM_152743.4 (MANE Select); coding-DNA position 1405, A replaced by G.
Protein change: p.Lys469Glu; replaces lysine 469 with glutamic acid.
Molecular consequence: missense variant. On other transcripts: non-coding transcript variant (1).
Genome position (GRCh38, 1-based): chr7:2,539,879, T>C on the plus strand (A>G on the coding strand, the complement: BRAT1 is on the minus strand). VCF-style: chr7-2539879-T-C. GRCh37 (hg19) VCF-style: chr7-2579513-T-C.
Other names: c.1405A>G, p.Lys469Glu (NM_001350626.2); c.880A>G, p.Lys294Glu (NM_001350627.2); short protein forms K294E, K469E.
Identifiers: ClinVar variation 838923 (VCV000838923.11), dbSNP rs562500791, ClinGen allele CA4127755.